The following is an entry in ClinVar:

ClinVar aggregate classification (germline): Uncertain significance (1 of 4 stars; one submission).

Conditions:
Inborn genetic diseases. Identifiers: MedGen C0950123, MeSH D030342.

Submission:

Ambry Genetics
Classification: Uncertain significance for Inborn genetic diseases. Last evaluated: 2026-06-22. Review status: criteria provided, single submitter. Criteria: Ambry Variant Classification Scheme 2023. Collection method: clinical testing. Allele origin: germline.
Comment: The p.L277R variant (also known as c.830T>G), located in coding exon 9 of the DDX41 gene, results from a T to G substitution at nucleotide position 830. The leucine at codon 277 is replaced by arginine, an amino acid with dissimilar properties. This amino acid position is not well conserved in available vertebrate species. In addition, the in silico prediction for this alteration is inconclusive. Based on the available evidence, the clinical significance of this variant remains unclear.

NM_016222.4(DDX41):c.830T>G (p.Leu277Arg)

Gene: DDX41 (DEAD-box helicase 41; minus strand). Cytogenetic location: 5q35.3.
Variant type: single nucleotide variant.
Coding change: c.830T>G on transcript NM_016222.4 (MANE Select); coding-DNA position 830, T replaced by G.
Protein change: p.Leu277Arg; replaces leucine 277 with arginine.
Molecular consequence: missense variant.
Genome position (GRCh38, 1-based): chr5:177,514,806, A>C on the plus strand (T>G on the coding strand, the complement: DDX41 is on the minus strand). VCF-style: chr5-177514806-A-C. GRCh37 (hg19) VCF-style: chr5-176941807-A-C.
Other names: c.452T>G, p.Leu151Arg (NM_001321732.2, NM_001321830.2); short protein forms L277R, L151R.
Identifiers: ClinVar variation 5035133 (VCV005035133.1).